The following is an entry in ClinVar:

NM_000263.4(NAGLU):c.367G>T (p.Glu123Ter)

Gene: NAGLU (N-acetyl-alpha-glucosaminidase; plus strand). Cytogenetic location: 17q21.2.
Variant type: single nucleotide variant.
Coding change: c.367G>T on transcript NM_000263.4 (MANE Select); coding-DNA position 367, G replaced by T.
Protein change: p.Glu123Ter; replaces glutamic acid 123 with a stop codon.
Molecular consequence: nonsense.
Genome position (GRCh38, 1-based): chr17:42,536,639, G>T. VCF-style: chr17-42536639-G-T. GRCh37 (hg19) VCF-style: chr17-40688657-G-T.
Other names: short protein forms E123*.
Identifiers: ClinVar variation 204586 (VCV000204586.10), dbSNP rs796052123, ClinGen allele CA248375.
Genomic context (GRCh38, chr17:42,536,639, plus strand): 5'-TGGTCCGGCTCTCAGCTGCGCCTGCCGCGGCCACTGCCAGCCGTGCCGGGGGAGCTGACC[G>T]AGGCCACGCCCAACAGGTACCGCCCCGAAGCTTCCCCGCGTCCGCCCGAGGCGCTTACCC-3'

ClinVar aggregate classification (germline): Pathogenic. Review status: criteria provided, single submitter (1 of 4 stars). 2 submissions from 2 submitters: Pathogenic (1). 1 of the submissions does not count toward it. Last evaluated 2020-06-30.

Conditions:
Charcot-Marie-Tooth disease axonal type 2V. Also called: CHARCOT-MARIE-TOOTH NEUROPATHY, TYPE 2V; CHARCOT-MARIE-TOOTH DISEASE, AXONAL, AUTOSOMAL DOMINANT, TYPE 2V. Identifiers: Orphanet 447964, MedGen C5569050, MONDO:0014665, OMIM 616491.
Mucopolysaccharidosis, MPS-III-B (MPS3B). Also called: SANFILIPPO SYNDROME B; MPS III B; N-ACETYL-ALPHA-D-GLUCOSAMINIDASE DEFICIENCY; NAGLU DEFICIENCY; MUCOPOLYSACCHARIDOSIS, TYPE IIIB; MPS IIIB (Sanfilippo Syndrome Type B). Identifiers: Orphanet 79270, MedGen C0086648, MONDO:0009656, OMIM 252920.

Submissions (2):

Labcorp Genetics (formerly Invitae), Labcorp
Classification: Pathogenic for Charcot-Marie-Tooth disease axonal type 2V; Mucopolysaccharidosis, MPS-III-B. Last evaluated: 2020-06-30. Review status: criteria provided, single submitter. Criteria: Invitae Variant Classification Sherloc (09022015). Collection method: clinical testing. Allele origin: germline.
Comment: For these reasons, this variant has been classified as Pathogenic. Loss-of-function variants in NAGLU are known to be pathogenic (PMID: 9832037, 10094189, 16151907). This variant has been observed in individual(s) with late-onset painful sensory polyneuropathy (PMID: 25818867). ClinVar contains an entry for this variant (Variation ID: 204586). The frequency data for this variant in the population databases is considered unreliable, as metrics indicate insufficient coverage at this position in the ExAC database. This sequence change creates a premature translational stop signal (p.Glu123*) in the NAGLU gene. It is expected to result in an absent or disrupted protein product.

OMIM
Classification: Uncertain significance for VARIANT OF UNKNOWN SIGNIFICANCE. Last evaluated: 2015-06-01. Review status: no assertion criteria provided. Collection method: literature only. Allele origin: germline. Not counted in ClinVar's aggregate classification.

Literature cited by the submitters: PubMed 9832037 (cited by Labcorp Genetics (formerly Invitae), Labcorp); PubMed 10094189 (cited by Labcorp Genetics (formerly Invitae), Labcorp); PubMed 16151907 (cited by Labcorp Genetics (formerly Invitae), Labcorp); PubMed 25818867 (cited by Labcorp Genetics (formerly Invitae), Labcorp and OMIM).